The following is an entry in ClinVar:

ClinVar aggregate classification (germline): Benign/Likely benign. Review status: criteria provided, multiple submitters, no conflicts (2 of 4 stars). 6 submissions from 6 submitters: Benign (3); Likely benign (3). Last evaluated 2026-01-11.

Conditions:
SLC1A3-related disorder. Also called: SLC1A3-related condition.
Episodic ataxia type 6. Identifiers: Orphanet 209967, MedGen C2675211, MONDO:0012982, OMIM 612656.
Inborn genetic diseases. Identifiers: MedGen C0950123, MeSH D030342.

Allele frequency attached by ClinVar (database versions not stated): ExAC 0.00042; gnomAD exomes 0.00057; TOPMed 0.00061; 1000 Genomes Project 30x 0.00062; gnomAD 0.00068; ESP Exome Variant Server 0.00069; 1000 Genomes Project 0.00080.
gnomAD v4.1: 2,023 of 1,613,354 alleles (0.13%); highest among the groups gnomAD compares: Non-Finnish European, 0.16%; no homozygotes.

Submissions (6):

Labcorp Genetics (formerly Invitae), Labcorp
Classification: Benign. Last evaluated: 2026-01-11. Review status: criteria provided, single submitter. Criteria: Invitae Variant Classification Sherloc (09022015). Collection method: clinical testing. Allele origin: germline.

PreventionGenetics, part of Exact Sciences
Classification: Likely benign for SLC1A3-related condition. Last evaluated: 2025-08-10. Review status: criteria provided, single submitter. Criteria: ACMG Guidelines, 2015. Collection method: clinical testing. Allele origin: germline.
Comment: This variant is classified as likely benign based on ACMG/AMP sequence variant interpretation guidelines (Richards et al. 2015 PMID: 25741868, with internal and published modifications).

Ambry Genetics
Classification: Likely benign for Inborn genetic diseases. Last evaluated: 2024-12-31. Review status: criteria provided, single submitter. Criteria: Ambry Variant Classification Scheme 2023. Collection method: clinical testing. Allele origin: germline.

Athena Diagnostics
Classification: Benign. Last evaluated: 2023-12-04. Review status: criteria provided, single submitter. Criteria: Athena Diagnostics Criteria. Collection method: clinical testing. Allele origin: unknown.

CeGaT Center for Human Genetics Tuebingen
Classification: Likely benign. Last evaluated: 2023-07-01. Review status: criteria provided, single submitter. Criteria: CeGaT Center For Human Genetics Tuebingen Variant Classification Criteria Version 2. Collection method: clinical testing. Allele origin: germline. Affected: yes. Observed: 2 variant alleles.
Comment: SLC1A3: BP4, BP7

Illumina Laboratory Services, Illumina
Classification: Benign for Episodic ataxia type 6. Last evaluated: 2018-01-13. Review status: criteria provided, single submitter. Criteria: ICSL Variant Classification Criteria 13 December 2019. Collection method: clinical testing. Allele origin: germline.
Comment: This variant was observed in the ICSL laboratory as part of a predisposition screen in an ostensibly healthy population. It had not been previously curated by ICSL or reported in the Human Gene Mutation Database (HGMD: prior to June 1st, 2018), and was therefore a candidate for classification through an automated scoring system. Utilizing variant allele frequency, disease prevalence and penetrance estimates, and inheritance mode, an automated score was calculated to assess if this variant is too frequent to cause the disease. Based on the score and internal cut-off values, a variant classified as benign is not then subjected to further curation. The score for this variant resulted in a classification of benign for this disease.

Literature cited by the submitters: PubMed 36920900 (cited by Athena Diagnostics).

NM_004172.5(SLC1A3):c.1074C>T (p.Thr358=)

Genes: SLC1A3 (solute carrier family 1 member 3; plus strand), SLC1A3-AS1 (SLC1A3 antisense RNA 1; minus strand). Cytogenetic location: 5p13.2.
Variant type: single nucleotide variant.
Coding change: c.1074C>T on transcript NM_004172.5 (MANE Select); coding-DNA position 1074, C replaced by T.
Protein change: p.Thr358=; no amino-acid change (threonine 358 retained).
Molecular consequence: synonymous variant.
Genome position (GRCh38, 1-based): chr5:36,679,840, C>T. VCF-style: chr5-36679840-C-T. GRCh37 (hg19) VCF-style: chr5-36679942-C-T.
Other names: c.1074C>T, p.Thr358= (NM_001166695.3); c.936C>T, p.Thr312= (NM_001289939.2); c.738C>T, p.Thr246= (NM_001289940.2).
Identifiers: ClinVar variation 744013 (VCV000744013.40), dbSNP rs147973032, ClinGen allele CA3235601.